The following is an entry in ClinVar:

NM_000093.5(COL5A1):c.5068-260T>C

Genes: COL5A1 (collagen type V alpha 1 chain; plus strand), LOC101448202 (uncharacterized LOC101448202; minus strand). Cytogenetic location: 9q34.3.
Variant type: single nucleotide variant.
Coding change: c.5068-260T>C on transcript NM_000093.5 (MANE Select); 260 bases into the intron before coding-DNA position 5068, T replaced by C.
Molecular consequence: intron variant.
Genome position (GRCh38, 1-based): chr9:134,829,716, T>C. VCF-style: chr9-134829716-T-C. GRCh37 (hg19) VCF-style: chr9-137721562-T-C.
Other names: c.5068-392T>C (NM_001278074.1).
Identifiers: ClinVar variation 672900 (VCV000672900.1), dbSNP rs13294921, ClinGen allele CA201104348.

ClinVar aggregate classification (germline): Likely benign (1 of 4 stars; one submission).

Allele frequency attached by ClinVar (database versions not stated): 1000 Genomes Project 30x 0.00984; gnomAD 0.01004 and 0.01075; 1000 Genomes Project 0.01398; TOPMed 0.01518.
gnomAD v4.1: 1,480 of 148,646 alleles (1%); highest among the groups gnomAD compares: African/African-American, 3.5%; 33 homozygotes.

Submission:

GeneDx
Classification: Likely benign. Last evaluated: 2018-06-14. Review status: criteria provided, single submitter. Criteria: GeneDx Variant Classification (06012015). Collection method: clinical testing. Allele origin: germline. Affected: yes.
Comment: This variant is considered likely benign or benign based on one or more of the following criteria: it is a conservative change, it occurs at a poorly conserved position in the protein, it is predicted to be benign by multiple in silico algorithms, and/or has population frequency not consistent with disease.